The following is an entry in ClinVar:

ClinVar aggregate classification (germline): Uncertain significance. Review status: criteria provided, multiple submitters, no conflicts (2 of 4 stars). 3 submissions from 3 submitters: Uncertain significance (3). Last evaluated 2025-06-27.

Conditions:
Primary ciliary dyskinesia 7. Also called: CILIARY DYSKINESIA, PRIMARY, 7, WITH OR WITHOUT SITUS INVERSUS. Identifiers: Orphanet 244, MedGen C2678473, MONDO:0012748, OMIM 611884.
Primary ciliary dyskinesia. Also called: Ciliary dyskinesia. Identifiers: Orphanet 244, MedGen C0008780, MONDO:0016575, HP:0012265.

Submissions (3):

Broad Center for Mendelian Genomics, Broad Institute of MIT and Harvard
Classification: Uncertain significance for Primary ciliary dyskinesia 7. Last evaluated: 2025-06-27. Review status: criteria provided, single submitter. Criteria: ACMG Guidelines, 2015. Collection method: curation. Allele origin: germline. Inheritance: Autosomal recessive inheritance. Study: GREGoR Consortium.
Comment: The phase of these variants are unknown at this time. The p.Lys198del variant in DNAH11 has not been previously reported in the literature in individuals with primary ciliary dyskinesia, but has been identified in 0.007% (79/1176086) of European (non-Finnish) chromosomes by the Genome Aggregation Database (gnomAD; dbSNP rs752229419). Although this variant has been seen in the general population in a heterozygous state, its frequency is low enough to be consistent with a recessive carrier frequency. This variant has been reported in ClinVar (Variation ID: 654383) and has been interpreted as a variant of uncertain significance by Labcorp Genetics. This variant is a deletion of 1 amino acid at position 198 and is not predicted to alter the protein reading-frame. It is unclear if this deletion will impact the protein. In summary, the clinical significance of the p.Lys198del variant is uncertain. ACMG/AMP Criteria applied: PM2_supporting, PM3_supporting, PM4_supporting (Richards 2015).

Labcorp Genetics (formerly Invitae), Labcorp
Classification: Uncertain significance for Primary ciliary dyskinesia. Last evaluated: 2022-07-26. Review status: criteria provided, single submitter. Criteria: Invitae Variant Classification Sherloc (09022015). Collection method: clinical testing. Allele origin: germline.
Comment: This variant, c.593_595del, results in the deletion of 1 amino acid(s) of the DNAH11 protein (p.Lys198del), but otherwise preserves the integrity of the reading frame. This variant is present in population databases (rs752229419, gnomAD 0.003%). This variant has been observed in individual(s) with clinical features of primary ciliary dyskinesia (Invitae). In at least one individual the data is consistent with being in trans (on the opposite chromosome) from a pathogenic variant. ClinVar contains an entry for this variant (Variation ID: 654383). Experimental studies and prediction algorithms are not available or were not evaluated, and the functional significance of this variant is currently unknown. In summary, the available evidence is currently insufficient to determine the role of this variant in disease. Therefore, it has been classified as a Variant of Uncertain Significance.

Blueprint Genetics
Classification: Uncertain significance. Last evaluated: 2020-10-14. Review status: criteria provided, single submitter. Criteria: ACMG Guidelines, 2015. Collection method: clinical testing. Allele origin: germline.

NM_001277115.2(DNAH11):c.590AGA[1] (p.Lys198del)

Gene: DNAH11 (dynein axonemal heavy chain 11; plus strand). Cytogenetic location: 7p15.3.
Variant type: Microsatellite.
Coding change: c.590AGA[1] on transcript NM_001277115.2 (MANE Select); one copy of the 3-base unit AGA starting at c.590; the reference has two copies in a row; one copy, 3 bases deleted; also written c.593_595del.
Protein change: p.Lys198del; deletes lysine 198.
Molecular consequence: inframe deletion.
Genome position (GRCh38, 1-based): chr7:21,558,899-21,558,901, AGA deleted; deleting any 3 consecutive bases within chr7:21,558,895-21,558,901 gives the same sequence; the position shown is the placement nearest the transcript's 3' end. VCF-style (leftmost placement, unchanged base first): chr7-21558894-AAAG-A. GRCh37 (hg19) VCF-style: chr7-21598512-AAAG-A.
Other names: NM_001277115.2(DNAH11):c.590AGA[1]; p.Lys198del; c.593_595del (NM_001277115.1); short protein forms K198del.
Identifiers: ClinVar variation 654383 (VCV000654383.8), dbSNP rs752229419, ClinGen allele CA4178719.